The following is an entry in ClinVar:

ClinVar aggregate classification (germline): Uncertain significance (1 of 4 stars; one submission).

Conditions:
Hereditary sensory and autonomic neuropathy type 6. Also called: HSAN VI; Neuropathy, hereditary sensory and autonomic, type VI. Identifiers: Orphanet 314381, MedGen C3539003, MONDO:0013839, OMIM 614653.
Epidermolysis bullosa simplex 3, localized or generalized intermediate, with BP230 deficiency (EBS3). Also called: Epidermolysis bullosa simplex, autosomal recessive 2; Epidermolysis bullosa simplex due to BP230 deficiency. Identifiers: Orphanet 412181, MedGen C3809470, MONDO:0014180, OMIM 615425.

gnomAD v4.1: 16 of 1,613,936 alleles (0.00099%); highest among the groups gnomAD compares: Non-Finnish European, 0.0014%; no homozygotes.

Submission:

Labcorp Genetics (formerly Invitae), Labcorp
Classification: Uncertain significance for Epidermolysis bullosa simplex 3, localized or generalized intermediate, with BP230 deficiency; Hereditary sensory and autonomic neuropathy type 6. Last evaluated: 2023-05-05. Review status: criteria provided, single submitter. Criteria: Invitae Variant Classification Sherloc (09022015). Collection method: clinical testing. Allele origin: germline.
Comment: An algorithm developed to predict the effect of missense changes on protein structure and function (PolyPhen-2) suggests that this variant is likely to be disruptive. In summary, the available evidence is currently insufficient to determine the role of this variant in disease. Therefore, it has been classified as a Variant of Uncertain Significance. This variant is not present in population databases (gnomAD no frequency). This sequence change replaces aspartic acid, which is acidic and polar, with valine, which is neutral and non-polar, at codon 1771 of the DST protein (p.Asp1771Val). This variant has not been reported in the literature in individuals affected with DST-related conditions.

NM_001723.7(DST):c.5312A>T (p.Asp1771Val)

Gene: DST (dystonin; minus strand). Cytogenetic location: 6p12.1.
Variant type: single nucleotide variant.
Coding change: c.5312A>T on transcript NM_001723.7 (MANE Plus Clinical); coding-DNA position 5312, A replaced by T.
Protein change: p.Asp1771Val; replaces aspartic acid 1771 with valine.
Molecular consequence: missense variant. On other transcripts: intron variant (10).
Genome position (GRCh38, 1-based): chr6:56,618,722, T>A on the plus strand (A>T on the coding strand, the complement: DST is on the minus strand). VCF-style: chr6-56618722-T-A. GRCh37 (hg19) VCF-style: chr6-56483520-T-A.
Other names: c.4831-4238A>T (NM_001144769.5); c.4930-4238A>T (NM_001374722.1, NM_001374736.1); c.4957-4238A>T (NM_001374734.1); c.4417-4238A>T (NM_001144770.2); c.4297-4238A>T (NM_001374730.1, NM_001386100.1, NM_183380.4 and 1 more transcripts); c.3319-4238A>T (NM_015548.5); short protein forms D1771V.
Identifiers: ClinVar variation 2934415 (VCV002934415.3), dbSNP rs766416079, ClinGen allele CA364567659.